The following is an entry in ClinVar:

NM_000466.3(PEX1):c.3678A>T (p.Arg1226Ser)

Genes: GATAD1 (GATA zinc finger domain containing 1; plus strand), PEX1 (peroxisomal biogenesis factor 1; minus strand). Cytogenetic location: 7q21.2.
Variant type: single nucleotide variant.
Coding change: c.3678A>T on transcript NM_000466.3 (MANE Select); coding-DNA position 3678, A replaced by T.
Protein change: p.Arg1226Ser; replaces arginine 1226 with serine.
Molecular consequence: missense variant.
Genome position (GRCh38, 1-based): chr7:92,489,382, T>A on the plus strand (A>T on the coding strand, the complement: PEX1 is on the minus strand). VCF-style: chr7-92489382-T-A. GRCh37 (hg19) VCF-style: chr7-92118696-T-A.
Other names: c.3678A>T (NM_000466.2); c.3507A>T, p.Arg1169Ser (NM_001282677.2); c.3054A>T, p.Arg1018Ser (NM_001282678.2); short protein forms R1018S, R1226S, R1169S.
Identifiers: ClinVar variation 1359798 (VCV001359798.7), dbSNP rs1173172739, ClinGen allele CA368159974.

ClinVar aggregate classification (germline): Conflicting classifications of pathogenicity. Review status: criteria provided, conflicting classifications (1 of 4 stars). 3 submissions from 3 submitters: Uncertain significance (2); Likely benign (1). Last evaluated 2025-12-08.

Conditions:
Zellweger spectrum disorders (ZS). Also called: Zellweger Spectrum Disorder; Zellweger Spectrum; Zellweger Spectrum Disorder (ZSD); Zellweger syndrome. Identifiers: Orphanet 912, MedGen C0043459, MONDO:0019609.
Inborn genetic diseases. Identifiers: MedGen C0950123, MeSH D030342.

Allele frequency attached by ClinVar (database versions not stated): gnomAD 0.00001; gnomAD exomes 0.00001.
gnomAD v4.1: 8 of 1,612,608 alleles (0.0005%); highest among the groups gnomAD compares: Non-Finnish European, 0.00068%; no homozygotes.

Submissions (3):

Ambry Genetics
Classification: Likely benign for Inborn genetic diseases. Last evaluated: 2025-12-08. Review status: criteria provided, single submitter. Criteria: Ambry Variant Classification Scheme 2023. Collection method: clinical testing. Allele origin: germline.

Blueprint Genetics
Classification: Uncertain significance. Last evaluated: 2022-07-29. Review status: criteria provided, single submitter. Criteria: ACMG Guidelines, 2015. Collection method: clinical testing. Allele origin: germline.

Labcorp Genetics (formerly Invitae), Labcorp
Classification: Uncertain significance for Zellweger spectrum disorders. Last evaluated: 2021-08-27. Review status: criteria provided, single submitter. Criteria: Invitae Variant Classification Sherloc (09022015). Collection method: clinical testing. Allele origin: germline.
Comment: This sequence change replaces arginine with serine at codon 1226 of the PEX1 protein (p.Arg1226Ser). The arginine residue is weakly conserved and there is a moderate physicochemical difference between arginine and serine. This variant is not present in population databases (ExAC no frequency). This variant has not been reported in the literature in individuals affected with PEX1-related conditions. Algorithms developed to predict the effect of missense changes on protein structure and function output the following: SIFT: "Tolerated"; PolyPhen-2: "Benign"; Align-GVGD: "Class C0". The serine amino acid residue is found in multiple mammalian species, which suggests that this missense change does not adversely affect protein function. In summary, the available evidence is currently insufficient to determine the role of this variant in disease. Therefore, it has been classified as a Variant of Uncertain Significance.